The following is an entry in ClinVar:

NM_005068.3(SIM1):c.1991A>G (p.Asp664Gly)

Gene: SIM1 (SIM bHLH transcription factor 1; minus strand). Cytogenetic location: 6q16.3.
Variant type: single nucleotide variant.
Coding change: c.1991A>G on transcript NM_005068.3 (MANE Select); coding-DNA position 1991, A replaced by G.
Protein change: p.Asp664Gly; replaces aspartic acid 664 with glycine.
Molecular consequence: missense variant.
Genome position (GRCh38, 1-based): chr6:100,390,671, T>C on the plus strand (A>G on the coding strand, the complement: SIM1 is on the minus strand). VCF-style: chr6-100390671-T-C. GRCh37 (hg19) VCF-style: chr6-100838547-T-C.
Other names: c.1991A>G, p.Asp664Gly (NM_001374769.1); short protein forms D664G.
Identifiers: ClinVar variation 3346180 (VCV003346180.1).

ClinVar aggregate classification (germline): Uncertain significance (0 of 4 stars; one submission).

Conditions:
SIM1-related disorder. Also called: SIM1-related condition; SIM1-related disorders.

gnomAD v4.1: 9 of 1,614,066 alleles (0.00056%); highest among the groups gnomAD compares: Non-Finnish European, 0.00076%; no homozygotes.

Submission:

PreventionGenetics, part of Exact Sciences
Classification: Uncertain significance for SIM1-related condition. Last evaluated: 2024-08-14. Review status: no assertion criteria provided. Collection method: clinical testing. Allele origin: germline.
Comment: The SIM1 c.1991A>G variant is predicted to result in the amino acid substitution p.Asp664Gly. To our knowledge, this variant has not been reported in the literature or in a large population database, indicating this variant is rare. At this time, the clinical significance of this variant is uncertain due to the absence of conclusive functional and genetic evidence.